The following is an entry in ClinVar:

NM_001048174.2(MUTYH):c.509G>A (p.Gly170Glu)

Gene: MUTYH (mutY DNA glycosylase; minus strand). Cytogenetic location: 1p34.1.
Variant type: single nucleotide variant.
Coding change: c.509G>A on transcript NM_001048174.2 (MANE Select); coding-DNA position 509, G replaced by A.
Protein change: p.Gly170Glu; replaces glycine 170 with glutamic acid.
Molecular consequence: missense variant. On other transcripts: non-coding transcript variant (2).
Genome position (GRCh38, 1-based): chr1:45,332,671, C>T on the plus strand (G>A on the coding strand, the complement: MUTYH is on the minus strand). VCF-style: chr1-45332671-C-T. GRCh37 (hg19) VCF-style: chr1-45798343-C-T.
Other names: c.509G>A, p.Gly170Glu (NM_001048171.2, NM_001048173.2, NM_001293195.2); c.512G>A, p.Gly171Glu (NM_001048172.2); c.593G>A, p.Gly198Glu (NM_001128425.2); c.554G>A, p.Gly185Glu (NM_001293190.2); c.542G>A, p.Gly181Glu (NM_001293191.2); c.233G>A, p.Gly78Glu (NM_001293192.2, NM_001293196.2); c.164G>A, p.Gly55Glu (NM_001350650.2, NM_001350651.2); c.584G>A, p.Gly195Glu (NM_012222.3); short protein forms G170E, G171E, G181E, G185E, G195E, G198E, G78E, G55E.
Identifiers: ClinVar variation 926550 (VCV000926550.14), dbSNP rs1645156886, ClinGen allele CA340135438.

ClinVar aggregate classification (germline): Conflicting classifications of pathogenicity. Review status: criteria provided, conflicting classifications (1 of 4 stars). 4 submissions from 4 submitters: Uncertain significance (3); Likely benign (1). Last evaluated 2025-09-15.

Conditions:
Familial adenomatous polyposis 2. Also called: Adenomas, multiple colorectal; MUTYH Polyposis; COLORECTAL ADENOMATOUS POLYPOSIS, AUTOSOMAL RECESSIVE; ADENOMAS, MULTIPLE COLORECTAL, AUTOSOMAL RECESSIVE; MUTYH-associated polyposis; MUTYH-related attenuated familial adenomatous polyposis. Identifiers: Orphanet 220460, Orphanet 247798, MedGen C3272841, MONDO:0012041, OMIM 608456.
Hereditary cancer-predisposing syndrome. Also called: Neoplastic Syndromes, Hereditary; Tumor predisposition; Hereditary Cancer Syndrome; Hereditary neoplastic syndrome. Identifiers: Orphanet 140162, MedGen C0027672, MeSH D009386, MONDO:0015356.

Allele frequency attached by ClinVar (database versions not stated): gnomAD exomes below 0.00001.
gnomAD v4.1: 1 of 1,614,148 alleles (0.000062%); highest among the groups gnomAD compares: Non-Finnish European, 0.000085%; no homozygotes.

Submissions (4):

Ambry Genetics
Classification: Likely benign for Hereditary cancer-predisposing syndrome. Last evaluated: 2025-09-15. Review status: criteria provided, single submitter. Criteria: Ambry Variant Classification Scheme 2023. Collection method: clinical testing. Allele origin: germline.

All of Us Research Program, National Institutes of Health
Classification: Uncertain significance for Familial adenomatous polyposis 2. Last evaluated: 2024-07-29. Review status: criteria provided, single submitter. Criteria: ACMG Guidelines, 2015. Collection method: clinical testing. Allele origin: germline. Inheritance: Autosomal recessive inheritance. Observed: 1 variant allele, 1 heterozygote.
Comment: This missense variant replaces glycine with glutamic acid at codon 198 of the MUTYH protein. Computational prediction suggests that this variant may not impact protein structure and function (internally defined REVEL score threshold <= 0.5, PMID: 27666373). Splice site prediction tools suggest that this variant may not impact RNA splicing. To our knowledge, functional studies have not been performed for this variant. This variant has not been reported in individuals affected with hereditary cancer in the literature. This variant has not been identified in the general population by the Genome Aggregation Database (gnomAD). The available evidence is insufficient to determine the role of this variant in disease conclusively. Therefore, this variant is classified as a Variant of Uncertain Significance.

This study involves interpretation of variants in research participants for the purpose of population health screening. Participant phenotype was not available at the time of variant classification. Additional details can be found in publication PMID: 35346344, PMCID: PMC8962531

Labcorp Genetics (formerly Invitae), Labcorp
Classification: Uncertain significance for Familial adenomatous polyposis 2. Last evaluated: 2024-06-03. Review status: criteria provided, single submitter. Criteria: Invitae Variant Classification Sherloc (09022015). Collection method: clinical testing. Allele origin: germline.
Comment: This sequence change replaces glycine, which is neutral and non-polar, with glutamic acid, which is acidic and polar, at codon 198 of the MUTYH protein (p.Gly198Glu). This variant is not present in population databases (gnomAD no frequency). This variant has not been reported in the literature in individuals affected with MUTYH-related conditions. ClinVar contains an entry for this variant (Variation ID: 926550). Algorithms developed to predict the effect of missense changes on protein structure and function output the following: SIFT: "Not Available"; PolyPhen-2: "Benign"; Align-GVGD: "Not Available". The glutamic acid amino acid residue is found in multiple mammalian species, which suggests that this missense change does not adversely affect protein function. In summary, the available evidence is currently insufficient to determine the role of this variant in disease. Therefore, it has been classified as a Variant of Uncertain Significance.

Color Diagnostics, LLC DBA Color Health
Classification: Uncertain significance for Hereditary cancer-predisposing syndrome. Last evaluated: 2024-03-07. Review status: criteria provided, single submitter. Criteria: ACMG Guidelines, 2015. Collection method: clinical testing. Allele origin: germline.
Comment: This missense variant replaces glycine with glutamic acid at codon 198 of the MUTYH protein. Computational prediction suggests that this variant may not impact protein structure and function (internally defined REVEL score threshold <= 0.5, PMID: 27666373). Splice site prediction tools suggest that this variant may not impact RNA splicing. To our knowledge, functional studies have not been performed for this variant. This variant has not been reported in individuals affected with hereditary cancer in the literature. This variant has not been identified in the general population by the Genome Aggregation Database (gnomAD). The available evidence is insufficient to determine the role of this variant in disease conclusively. Therefore, this variant is classified as a Variant of Uncertain Significance.